The following is an entry in ClinVar:

ClinVar aggregate classification (germline): Uncertain significance. Review status: criteria provided, multiple submitters, no conflicts (2 of 4 stars). 2 submissions from 2 submitters: Uncertain significance (2). Last evaluated 2025-03-03.

Allele frequency attached by ClinVar (database versions not stated): gnomAD exomes below 0.00001; ExAC 0.00002; TOPMed 0.00002.
gnomAD v4.1: 6 of 1,610,274 alleles (0.00037%); highest among the groups gnomAD compares: Admixed American, 0.0083%; no homozygotes.

Submissions (2):

Ambry Genetics
Classification: Uncertain significance. Last evaluated: 2025-03-03. Review status: criteria provided, single submitter. Criteria: Ambry Variant Classification Scheme 2023. Collection method: clinical testing. Allele origin: germline.

Labcorp Genetics (formerly Invitae), Labcorp
Classification: Uncertain significance. Last evaluated: 2023-05-22. Review status: criteria provided, single submitter. Criteria: Invitae Variant Classification Sherloc (09022015). Collection method: clinical testing. Allele origin: germline.
Comment: In summary, the available evidence is currently insufficient to determine the role of this variant in disease. Therefore, it has been classified as a Variant of Uncertain Significance. An algorithm developed to predict the effect of missense changes on protein structure and function (PolyPhen-2) suggests that this variant is likely to be disruptive. This variant has not been reported in the literature in individuals affected with HMCN1-related conditions. This variant is present in population databases (rs761567518, gnomAD 0.01%). This sequence change replaces serine, which is neutral and polar, with isoleucine, which is neutral and non-polar, at codon 2157 of the HMCN1 protein (p.Ser2157Ile).

NM_031935.3(HMCN1):c.6470G>T (p.Ser2157Ile)

Gene: HMCN1 (hemicentin 1; plus strand). Cytogenetic location: 1q31.1.
Variant type: single nucleotide variant.
Coding change: c.6470G>T on transcript NM_031935.3 (MANE Select); coding-DNA position 6470, G replaced by T.
Protein change: p.Ser2157Ile; replaces serine 2157 with isoleucine.
Molecular consequence: missense variant.
Genome position (GRCh38, 1-based): chr1:186,045,853, G>T. VCF-style: chr1-186045853-G-T. GRCh37 (hg19) VCF-style: chr1-186014985-G-T.
Other names: c.6470G>T (NM_031935.2); short protein forms S2157I.
Identifiers: ClinVar variation 2885651 (VCV002885651.4), dbSNP rs761567518, ClinGen allele CA1292569.